The following is an entry in ClinVar:

ClinVar aggregate classification (germline): Likely pathogenic (1 of 4 stars; one submission).

Conditions:
ZEB2-related disorder. Also called: ZEB2-related condition.

Submission:

PreventionGenetics, part of Exact Sciences
Classification: Likely pathogenic for ZEB2-related condition. Last evaluated: 2026-03-12. Review status: criteria provided, single submitter. Criteria: ACMG Guidelines, 2015. Collection method: clinical testing. Allele origin: germline.
Comment: The ZEB2 c.43C>G variant is predicted to result in the amino acid substitution p.Arg15Gly. To our knowledge, this variant has not been reported in the literature or in a large population database, indicating this variant is rare. This variant is interpreted as likely pathogenic.

NM_014795.4(ZEB2):c.43C>G (p.Arg15Gly)

Gene: ZEB2 (zinc finger E-box binding homeobox 2; minus strand). Cytogenetic location: 2q22.3.
Variant type: single nucleotide variant.
Coding change: c.43C>G on transcript NM_014795.4 (MANE Select); coding-DNA position 43, C replaced by G.
Protein change: p.Arg15Gly; replaces arginine 15 with glycine.
Molecular consequence: missense variant. On other transcripts: non-coding transcript variant (1).
Genome position (GRCh38, 1-based): chr2:144,517,308, G>C on the plus strand (C>G on the coding strand, the complement: ZEB2 is on the minus strand). VCF-style: chr2-144517308-G-C. GRCh37 (hg19) VCF-style: chr2-145274875-G-C.
Other names: c.43C>G, p.Arg15Gly (NM_001171653.2); short protein forms R15G.
Identifiers: ClinVar variation 3345133 (VCV003345133.2).